The following is an entry in ClinVar:

NM_020812.4(DOCK6):c.3718C>T (p.Arg1240Cys)

Genes: DOCK6 (dedicator of cytokinesis 6; minus strand), DOCK6-AS1 (DOCK6 antisense RNA 1; plus strand). Cytogenetic location: 19p13.2.
Variant type: single nucleotide variant.
Coding change: c.3718C>T on transcript NM_020812.4 (MANE Select); coding-DNA position 3718, C replaced by T.
Protein change: p.Arg1240Cys; replaces arginine 1240 with cysteine.
Molecular consequence: missense variant.
Genome position (GRCh38, 1-based): chr19:11,217,090, G>A on the plus strand (C>T on the coding strand, the complement: DOCK6 is on the minus strand). VCF-style: chr19-11217090-G-A. GRCh37 (hg19) VCF-style: chr19-11327766-G-A.
Other names: c.3823C>T, p.Arg1275Cys (NM_001367830.1); short protein forms R1240C, R1275C.
Identifiers: ClinVar variation 1960697 (VCV001960697.2), dbSNP rs753969509, ClinGen allele CA9207145.
Genomic context (GRCh38, chr19:11,217,090, plus strand): 5'-CCCACAGCACACACGCCAGCAAGGTCCGGCTTGACTCAGCAGAGAGGGCACAGCCTGCGC[G>A]AGAAGCCTGGGGCCAGAGAGGAATCAAAGTCAATTTCCATTTTCTCCATGTGAGATGAAT-3'
Protein context (NP_065863.2, residues 1230-1250): SISQGPPTAS[Arg1240Cys]AGCALSAESS

ClinVar aggregate classification (germline): Uncertain significance (1 of 4 stars; one submission).

Allele frequency attached by ClinVar (database versions not stated): ExAC 0.00001; gnomAD 0.00001; TOPMed 0.00001.
gnomAD v4.1: 12 of 1,611,270 alleles (0.00074%); highest among the groups gnomAD compares: African/African-American, 0.0053%; no homozygotes.

Submission:

Labcorp Genetics (formerly Invitae), Labcorp
Classification: Uncertain significance. Last evaluated: 2022-08-23. Review status: criteria provided, single submitter. Criteria: Invitae Variant Classification Sherloc (09022015). Collection method: clinical testing. Allele origin: germline.
Comment: This sequence change replaces arginine, which is basic and polar, with cysteine, which is neutral and slightly polar, at codon 1240 of the DOCK6 protein (p.Arg1240Cys). This variant is present in population databases (rs753969509, gnomAD 0.007%). This variant has not been reported in the literature in individuals affected with DOCK6-related conditions. Algorithms developed to predict the effect of missense changes on protein structure and function are either unavailable or do not agree on the potential impact of this missense change (SIFT: "Deleterious"; PolyPhen-2: "Possibly Damaging"; Align-GVGD: "Class C0"). In summary, the available evidence is currently insufficient to determine the role of this variant in disease. Therefore, it has been classified as a Variant of Uncertain Significance.